The following is an entry in ClinVar:

NM_001164508.2(NEB):c.11077-20dup

Gene: NEB (nebulin; minus strand). Cytogenetic location: 2q23.3.
Variant type: Duplication.
Coding change: c.11077-20dup on transcript NM_001164508.2 (MANE Select); 20 bases into the intron before coding-DNA position 11077, one base duplicated (T; older notation c.11077-20dupT).
Molecular consequence: intron variant.
Genome position (GRCh38, 1-based): chr2:151,617,473, A duplicated on the plus strand (T on the coding strand, the reverse complement: NEB is on the minus strand); the first of 16 consecutive A bases (chr2:151,617,473-151,617,488); duplicating any one gives the same sequence. VCF-style (leftmost placement, unchanged base first): chr2-151617472-C-CA. GRCh37 (hg19) VCF-style: chr2-152473986-C-CA.
Other names: p.?; c.10348-20dup (NM_004543.5); c.11077-20dup (NM_001164507.2, NM_001271208.2); c.11077-5dup (NM_001271208.2).
Identifiers: ClinVar variation 1206025 (VCV001206025.3), dbSNP rs749915004, ClinGen allele CA1908847.

ClinVar aggregate classification (germline): Benign. Review status: criteria provided, single submitter (1 of 4 stars). 3 submissions from 3 submitters: Benign (1). 2 of the submissions do not count toward it. Last evaluated 2023-01-19.

Submissions (3):

Mayo Clinic Laboratories, Mayo Clinic
Classification: Benign. Last evaluated: 2023-01-19. Review status: criteria provided, single submitter. Criteria: ACMG Guidelines, 2015. Collection method: clinical testing. Allele origin: germline. Observed: 23 variant alleles.
Comment: BA1, BP4, BP7

Genome Diagnostics Laboratory, University Medical Center Utrecht
Classification: Benign. Review status: no assertion criteria provided. Collection method: clinical testing. Allele origin: germline. Affected: yes. Study: VKGL Data-share Consensus. Not counted in ClinVar's aggregate classification.

Laboratory of Diagnostic Genome Analysis, Leiden University Medical Center (LUMC)
Classification: Likely benign. Review status: no assertion criteria provided. Collection method: clinical testing. Allele origin: germline. Affected: yes. Study: VKGL Data-share Consensus. Not counted in ClinVar's aggregate classification.